The following is an entry in ClinVar:

NM_006941.4(SOX10):c.1394G>A (p.Arg465Gln)

Genes: POLR2F (RNA polymerase II, I and III subunit F; plus strand), SOX10 (SRY-box transcription factor 10; minus strand). Cytogenetic location: 22q13.1.
Variant type: single nucleotide variant.
Coding change: c.1394G>A on transcript NM_006941.4 (MANE Select); coding-DNA position 1394, G replaced by A.
Protein change: p.Arg465Gln; replaces arginine 465 with glutamine.
Molecular consequence: missense variant. On other transcripts: intron variant (3).
Genome position (GRCh38, 1-based): chr22:37,973,502, C>T on the plus strand (G>A on the coding strand, the complement: SOX10 is on the minus strand). VCF-style: chr22-37973502-C-T. GRCh37 (hg19) VCF-style: chr22-38369509-C-T.
Other names: c.*38+1192C>T (NM_001363825.1); c.293+6332C>T (NM_001301130.2, NM_001301131.2); short protein forms R465Q.
Identifiers: ClinVar variation 4751447 (VCV004751447.1).
Genomic context (GRCh38, chr22:37,973,502, plus strand): 5'-CACACAGGCTGGGGGCAGGGGCTGGGCGGGGGGTGGTGGCGACAGGGCCCCCTTTAGGGC[C>T]GGGACAGTGTCGTATATACTGGCTGCTCCCAGTGTGTGGGGCTGTGGGACTGGGGCCCTG-3'
Protein context (NP_008872.1, residues 455-466): WEQPVYTTLS[Arg465Gln]P

ClinVar aggregate classification (germline): Uncertain significance (1 of 4 stars; one submission).

gnomAD v4.1: 16 of 1,594,284 alleles (0.001%); highest among the groups gnomAD compares: Middle Eastern, 0.022%; no homozygotes.

Submission:

Labcorp Genetics (formerly Invitae), Labcorp
Classification: Uncertain significance. Last evaluated: 2025-07-24. Review status: criteria provided, single submitter. Criteria: Invitae Variant Classification Sherloc (09022015). Collection method: clinical testing. Allele origin: germline.
Comment: This sequence change replaces arginine, which is basic and polar, with glutamine, which is neutral and polar, at codon 465 of the SOX10 protein (p.Arg465Gln). The frequency data for this variant in the population databases is considered unreliable, as metrics indicate poor data quality at this position in the gnomAD database. This variant has not been reported in the literature in individuals affected with SOX10-related conditions. Invitae Evidence Modeling of protein sequence and biophysical properties (such as structural, functional, and spatial information, amino acid conservation, physicochemical variation, residue mobility, and thermodynamic stability) has been performed for this missense variant. However, the output from this modeling did not meet the statistical confidence thresholds required to predict the impact of this variant on SOX10 protein function. In summary, the available evidence is currently insufficient to determine the role of this variant in disease. Therefore, it has been classified as a Variant of Uncertain Significance.